The following is an entry in ClinVar:

NM_000089.4(COL1A2):c.1015A>G (p.Thr339Ala)

Gene: COL1A2 (collagen type I alpha 2 chain; plus strand). Cytogenetic location: 7q21.3.
Variant type: single nucleotide variant.
Coding change: c.1015A>G on transcript NM_000089.4 (MANE Select); coding-DNA position 1015, A replaced by G.
Protein change: p.Thr339Ala; replaces threonine 339 with alanine.
Molecular consequence: missense variant.
Genome position (GRCh38, 1-based): chr7:94,409,801, A>G. VCF-style: chr7-94409801-A-G. GRCh37 (hg19) VCF-style: chr7-94039113-A-G.
Other names: short protein forms T339A.
Identifiers: ClinVar variation 841114 (VCV000841114.12), dbSNP rs374718116, ClinGen allele CA162920410.

ClinVar aggregate classification (germline): Uncertain significance. Review status: criteria provided, multiple submitters, no conflicts (2 of 4 stars). 2 submissions from 2 submitters: Uncertain significance (2). Last evaluated 2025-06-09.

Conditions:
Cardiovascular phenotype. Identifiers: MedGen CN230736.
Osteogenesis imperfecta type I (OI1). Also called: Lobstein's Disease; Classic Non-deforming Osteogenesis Imperfecta with Blue Sclerae; Lobstein disease; OI, TYPE I; OSTEOGENESIS IMPERFECTA TARDA; OSTEOGENESIS IMPERFECTA WITH BLUE SCLERAE. Identifiers: Orphanet 216796, Orphanet 666, MedGen C0023931, MONDO:0008146, OMIM 166200. Disease mechanism: loss of function.
Ehlers-Danlos syndrome, classic type, 1 (EDSCL1). Also called: Ehlers-Danlos syndrome, type 1; Ehlers-Danlos Syndrome, Classic Type, COL5A1-Related; EDS I; EHLERS-DANLOS SYNDROME, GRAVIS TYPE; EHLERS-DANLOS SYNDROME, SEVERE CLASSIC TYPE. Identifiers: MedGen C0268335, MONDO:0019567, OMIM 130000.

Allele frequency attached by ClinVar (database versions not stated): gnomAD exomes below 0.00001; gnomAD 0.00001; ESP Exome Variant Server 0.00008; TOPMed 0.00001.
gnomAD v4.1: 4 of 1,613,966 alleles (0.00025%); highest among the groups gnomAD compares: Non-Finnish European, 0.00034%; no homozygotes.

Submissions (2):

Labcorp Genetics (formerly Invitae), Labcorp
Classification: Uncertain significance for Osteogenesis imperfecta type I; Ehlers-Danlos syndrome, classic type, 1. Last evaluated: 2025-06-09. Review status: criteria provided, single submitter. Criteria: Invitae Variant Classification Sherloc (09022015). Collection method: clinical testing. Allele origin: germline.
Comment: This sequence change replaces threonine, which is neutral and polar, with alanine, which is neutral and non-polar, at codon 339 of the COL1A2 protein (p.Thr339Ala). This variant is not present in population databases (gnomAD no frequency). This variant has not been reported in the literature in individuals affected with COL1A2-related conditions. ClinVar contains an entry for this variant (Variation ID: 841114). Invitae Evidence Modeling of protein sequence and biophysical properties (such as structural, functional, and spatial information, amino acid conservation, physicochemical variation, residue mobility, and thermodynamic stability) indicates that this missense variant is not expected to disrupt COL1A2 protein function with a negative predictive value of 95%. In summary, the available evidence is currently insufficient to determine the role of this variant in disease. Therefore, it has been classified as a Variant of Uncertain Significance.

Ambry Genetics
Classification: Uncertain significance for Cardiovascular phenotype. Last evaluated: 2024-11-25. Review status: criteria provided, single submitter. Criteria: Ambry Variant Classification Scheme 2023. Collection method: clinical testing. Allele origin: germline.
Comment: The p.T339A variant (also known as c.1015A>G), located in coding exon 19 of the COL1A2 gene, results from an A to G substitution at nucleotide position 1015. The threonine at codon 339 is replaced by alanine, an amino acid with similar properties. This amino acid position is poorly conserved in available vertebrate species. In addition, the in silico prediction for this alteration is inconclusive. Based on the available evidence, the clinical significance of this variant remains unclear.